The following is an entry in ClinVar:

ClinVar aggregate classification (germline): Likely pathogenic (1 of 4 stars; one submission).

Conditions:
Kabuki syndrome. Also called: Kabuki make-up syndrome; NIIKAWA-KUROKI SYNDROME. Identifiers: Orphanet 2322, MedGen C0796004, MONDO:0016512.

Submission:

Labcorp Genetics (formerly Invitae), Labcorp
Classification: Likely pathogenic for Kabuki syndrome. Last evaluated: 2020-02-17. Review status: criteria provided, single submitter. Criteria: Invitae Variant Classification Sherloc (09022015). Collection method: clinical testing. Allele origin: germline.
Comment: Algorithms developed to predict the effect of sequence changes on RNA splicing suggest that this variant may disrupt the consensus splice site, but this prediction has not been confirmed by published transcriptional studies. This variant has not been reported in the literature in individuals with KMT2D-related conditions. This variant is not present in population databases (ExAC no frequency). This sequence change affects an acceptor splice site in intron 51 of the KMT2D gene. It is expected to disrupt RNA splicing and likely results in an absent or disrupted protein product. In summary, the currently available evidence indicates that the variant is pathogenic, but additional data are needed to prove that conclusively. Therefore, this variant has been classified as Likely Pathogenic. Donor and acceptor splice site variants typically lead to a loss of protein function (PMID: 16199547), and loss-of-function variants in KMT2D are known to be pathogenic (PMID: 22126750).

Literature cited by the submitters: PubMed 16199547; PubMed 22126750.

NM_003482.4(KMT2D):c.16339-1G>C

Gene: KMT2D (lysine methyltransferase 2D; minus strand). Cytogenetic location: 12q13.12.
Variant type: single nucleotide variant.
Coding change: c.16339-1G>C on transcript NM_003482.4 (MANE Select); the canonical splice acceptor site of the intron before coding-DNA position 16339, G replaced by C.
Molecular consequence: splice acceptor variant.
Genome position (GRCh38, 1-based): chr12:49,022,354, C>G on the plus strand (G>C on the coding strand, the complement: KMT2D is on the minus strand). VCF-style: chr12-49022354-C-G. GRCh37 (hg19) VCF-style: chr12-49416137-C-G.
Identifiers: ClinVar variation 1066512 (VCV001066512.10), dbSNP rs2137705201, ClinGen allele CA384677228.